The following is an entry in ClinVar:

NM_004946.3(DOCK2):c.3523G>A (p.Val1175Met)

Gene: DOCK2 (dedicator of cytokinesis 2; plus strand). Cytogenetic location: 5q35.1.
Variant type: single nucleotide variant.
Coding change: c.3523G>A on transcript NM_004946.3 (MANE Select); coding-DNA position 3523, G replaced by A.
Protein change: p.Val1175Met; replaces valine 1175 with methionine.
Molecular consequence: missense variant. On other transcripts: non-coding transcript variant (1).
Genome position (GRCh38, 1-based): chr5:170,034,454, G>A. VCF-style: chr5-170034454-G-A. GRCh37 (hg19) VCF-style: chr5-169461458-G-A.
Other names: short protein forms V1175M.
Identifiers: ClinVar variation 3504396 (VCV003504396.3).

ClinVar aggregate classification (germline): Uncertain significance. Review status: criteria provided, multiple submitters, no conflicts (2 of 4 stars). 2 submissions from 2 submitters: Uncertain significance (2). Last evaluated 2025-08-30.

Conditions:
Inborn genetic diseases. Identifiers: MedGen C0950123, MeSH D030342.
DOCK2 deficiency. Also called: Immunodeficiency 40. Identifiers: Orphanet 447737, MedGen C4225328, MONDO:0014637, OMIM 616433.

gnomAD v4.1: 6 of 1,614,050 alleles (0.00037%); highest among the groups gnomAD compares: African/African-American, 0.0013%; no homozygotes.

Submissions (2):

Labcorp Genetics (formerly Invitae), Labcorp
Classification: Uncertain significance for DOCK2 deficiency. Last evaluated: 2025-08-30. Review status: criteria provided, single submitter. Criteria: Invitae Variant Classification Sherloc (09022015). Collection method: clinical testing. Allele origin: germline.
Comment: This sequence change replaces valine, which is neutral and non-polar, with methionine, which is neutral and non-polar, at codon 1175 of the DOCK2 protein (p.Val1175Met). This variant is present in population databases (rs772162450, gnomAD 0.004%). This variant has not been reported in the literature in individuals affected with DOCK2-related conditions. ClinVar contains an entry for this variant (Variation ID: 3504396). An algorithm developed to predict the effect of missense changes on protein structure and function (PolyPhen-2) suggests that this variant is likely to be disruptive. In summary, the available evidence is currently insufficient to determine the role of this variant in disease. Therefore, it has been classified as a Variant of Uncertain Significance.

Ambry Genetics
Classification: Uncertain significance for Inborn genetic diseases. Last evaluated: 2024-08-20. Review status: criteria provided, single submitter. Criteria: Ambry Variant Classification Scheme 2023. Collection method: clinical testing. Allele origin: germline.